The following is an entry in ClinVar:

ClinVar aggregate classification (germline): Uncertain significance (1 of 4 stars; one submission).

Allele frequency attached by ClinVar (database versions not stated): TOPMed 0.00001; gnomAD 0.00002; 1000 Genomes Project 0.00020; 1000 Genomes Project 30x 0.00031.
gnomAD v4.1: 42 of 1,613,548 alleles (0.0026%); highest among the groups gnomAD compares: Non-Finnish European, 0.0033%; no homozygotes.

Submission:

Labcorp Genetics (formerly Invitae), Labcorp
Classification: Uncertain significance. Last evaluated: 2024-03-13. Review status: criteria provided, single submitter. Criteria: Invitae Variant Classification Sherloc (09022015). Collection method: clinical testing. Allele origin: germline.
Comment: This sequence change replaces threonine, which is neutral and polar, with serine, which is neutral and polar, at codon 102 of the MICAL1 protein (p.Thr102Ser). This variant is present in population databases (rs187417837, gnomAD 0.005%). This variant has not been reported in the literature in individuals affected with MICAL1-related conditions. ClinVar contains an entry for this variant (Variation ID: 2414380). An algorithm developed to predict the effect of missense changes on protein structure and function (PolyPhen-2) suggests that this variant is likely to be tolerated. In summary, the available evidence is currently insufficient to determine the role of this variant in disease. Therefore, it has been classified as a Variant of Uncertain Significance.

NM_022765.4(MICAL1):c.248C>G (p.Thr83Ser)

Gene: MICAL1 (microtubule associated monooxygenase, calponin and LIM domain containing 1; minus strand). Cytogenetic location: 6q21.
Variant type: single nucleotide variant.
Coding change: c.248C>G on transcript NM_022765.4 (MANE Select); coding-DNA position 248, C replaced by G.
Protein change: p.Thr83Ser; replaces threonine 83 with serine.
Molecular consequence: missense variant.
Genome position (GRCh38, 1-based): chr6:109,453,949, G>C on the plus strand (C>G on the coding strand, the complement: MICAL1 is on the minus strand). VCF-style: chr6-109453949-G-C. GRCh37 (hg19) VCF-style: chr6-109775152-G-C.
Other names: c.248C>G, p.Thr83Ser (NM_001159291.2); c.305C>G, p.Thr102Ser (NM_001286613.2); short protein forms T102S, T83S.
Identifiers: ClinVar variation 2414380 (VCV002414380.6), dbSNP rs187417837, ClinGen allele CA3953861.
Genomic context (GRCh38, chr6:109,453,949, plus strand): 5'-CTCTGACTCCCCGCATGCTCCACACCCCATCCCAGGCACCGTGTATCCACCTTGGTGCTG[G>C]TGCAGGCCCGGCCCTGCTGGTAGACAGGCTGGCCTGCTCGCTTGTCCAGCTTGGTCCACA-3'
Protein context (NP_073602.3, residues 73-93): QPVYQQGRAC[Thr83Ser]STKCLVVGAG